The following is an entry in ClinVar:

ClinVar aggregate classification (germline): Uncertain significance (1 of 4 stars; one submission).

Conditions:
Parathyroid carcinoma (PRTC). Also called: Parathyroid gland carcinoma; CDC73-Related Parathyroid Carcinoma. Identifiers: Orphanet 143, MedGen C0687150, MONDO:0012004, OMIM 608266, HP:0006780.

Submission:

Labcorp Genetics (formerly Invitae), Labcorp
Classification: Uncertain significance for Parathyroid carcinoma. Last evaluated: 2022-08-23. Review status: criteria provided, single submitter. Criteria: Invitae Variant Classification Sherloc (09022015). Collection method: clinical testing. Allele origin: germline.
Comment: In summary, the available evidence is currently insufficient to determine the role of this variant in disease. Therefore, it has been classified as a Variant of Uncertain Significance. Algorithms developed to predict the effect of missense changes on protein structure and function are either unavailable or do not agree on the potential impact of this missense change (SIFT: "Deleterious"; PolyPhen-2: "Possibly Damaging"; Align-GVGD: "Class C15"). This variant has not been reported in the literature in individuals affected with CDC73-related conditions. This variant is not present in population databases (gnomAD no frequency). This sequence change replaces serine, which is neutral and polar, with cysteine, which is neutral and slightly polar, at codon 195 of the CDC73 protein (p.Ser195Cys).

NM_024529.5(CDC73):c.584C>G (p.Ser195Cys)

Gene: CDC73 (cell division cycle 73; plus strand). Cytogenetic location: 1q31.2.
Variant type: single nucleotide variant.
Coding change: c.584C>G on transcript NM_024529.5 (MANE Select); coding-DNA position 584, C replaced by G.
Protein change: p.Ser195Cys; replaces serine 195 with cysteine.
Molecular consequence: missense variant.
Genome position (GRCh38, 1-based): chr1:193,141,921, C>G. VCF-style: chr1-193141921-C-G. GRCh37 (hg19) VCF-style: chr1-193111051-C-G.
Other names: short protein forms S195C.
Identifiers: ClinVar variation 1717891 (VCV001717891.6), dbSNP rs2103126212, ClinGen allele CA343962397.